The following is an entry in ClinVar:

NM_015386.3(COG4):c.1948G>C (p.Asp650His)

Gene: COG4 (component of oligomeric golgi complex 4; minus strand). Cytogenetic location: 16q22.1.
Variant type: single nucleotide variant.
Coding change: c.1948G>C on transcript NM_015386.3 (MANE Select); coding-DNA position 1948, G replaced by C.
Protein change: p.Asp650His; replaces aspartic acid 650 with histidine.
Molecular consequence: missense variant. On other transcripts: non-coding transcript variant (1).
Genome position (GRCh38, 1-based): chr16:70,482,148, C>G on the plus strand (G>C on the coding strand, the complement: COG4 is on the minus strand). VCF-style: chr16-70482148-C-G. GRCh37 (hg19) VCF-style: chr16-70516051-C-G.
Other names: c.1873G>C, p.Asp625His (NM_001195139.2); c.1522G>C, p.Asp508His (NM_001365426.1); short protein forms D508H, D625H, D650H.
Identifiers: ClinVar variation 1804352 (VCV001804352.3), dbSNP rs372849778, ClinGen allele CA396579153.

ClinVar aggregate classification (germline): Uncertain significance (1 of 4 stars; one submission).

Conditions:
COG4-congenital disorder of glycosylation. Also called: CONGENITAL DISORDER OF GLYCOSYLATION, TYPE IIj; CDG IIj; COG4-CDG. Identifiers: Orphanet 263501, MedGen C4303552, MONDO:0013281, OMIM 613489.
Microcephalic osteodysplastic dysplasia, Saul-Wilson type. Also called: MICROCEPHALIC OSTEODYSPLASTIC DYSPLASIA; Saul-Wilson Syndrome. Identifiers: Orphanet 85172, MedGen C4509877, MONDO:0019407, OMIM 618150.

Submission:

GeneDx
Classification: Uncertain significance. Last evaluated: 2026-08-13. Review status: criteria provided, single submitter. Criteria: GeneDx Variant Classification Process June 2021. Collection method: clinical testing. Allele origin: germline.
Comment: Not observed at significant frequency in large population cohorts (gnomAD); In silico analysis supports that this missense variant has a deleterious effect on protein structure/function; Has not been previously published as pathogenic or benign to our knowledge